The following is an entry in ClinVar:

NM_005733.3(KIF20A):c.2387T>C (p.Met796Thr)

Gene: KIF20A (kinesin family member 20A; plus strand). Cytogenetic location: 5q31.2.
Variant type: single nucleotide variant.
Coding change: c.2387T>C on transcript NM_005733.3 (MANE Select); coding-DNA position 2387, T replaced by C.
Protein change: p.Met796Thr; replaces methionine 796 with threonine.
Molecular consequence: missense variant.
Genome position (GRCh38, 1-based): chr5:138,187,127, T>C. VCF-style: chr5-138187127-T-C. GRCh37 (hg19) VCF-style: chr5-137522816-T-C.
Other names: short protein forms M796T.
Identifiers: ClinVar variation 2789041 (VCV002789041.3), dbSNP rs2482193605, ClinGen allele CA361119840.
Genomic context (GRCh38, chr5:138,187,127, plus strand): 5'-TTTTCTATAACTTTATTGATCTTCCTTAGGACCAGACTCTGGCTGAACTGCAGAACAACA[T>C]GGTGCTAGTGAAACTGGACCTTCGGAAGAAGGCAGCATGTATTGCTGAGCAGTATCATAC-3'
Protein context (NP_005724.1, residues 786-806): DQTLAELQNN[Met796Thr]VLVKLDLRKK

ClinVar aggregate classification (germline): Uncertain significance (1 of 4 stars; one submission).

Allele frequency attached by ClinVar (database versions not stated): gnomAD exomes 0.00001.

Submission:

Labcorp Genetics (formerly Invitae), Labcorp
Classification: Uncertain significance. Last evaluated: 2024-05-01. Review status: criteria provided, single submitter. Criteria: Invitae Variant Classification Sherloc (09022015). Collection method: clinical testing. Allele origin: germline.
Comment: This sequence change replaces methionine, which is neutral and non-polar, with threonine, which is neutral and polar, at codon 796 of the KIF20A protein (p.Met796Thr). This variant is not present in population databases (gnomAD no frequency). This variant has not been reported in the literature in individuals affected with KIF20A-related conditions. An algorithm developed to predict the effect of missense changes on protein structure and function (PolyPhen-2) suggests that this variant is likely to be disruptive. In summary, the available evidence is currently insufficient to determine the role of this variant in disease. Therefore, it has been classified as a Variant of Uncertain Significance.